The following is an entry in ClinVar:

ClinVar aggregate classification (germline): Uncertain significance (1 of 4 stars; one submission).

Conditions:
Immunodeficiency 39 (IMD39). Identifiers: Orphanet 574918, MedGen C4225358, MONDO:0014597, OMIM 616345.

gnomAD v4.1: 3 of 1,547,836 alleles (0.00019%); highest among the groups gnomAD compares: Admixed American, 0.0037%; no homozygotes.

Submission:

Labcorp Genetics (formerly Invitae), Labcorp
Classification: Uncertain significance for Immunodeficiency 39. Last evaluated: 2025-07-30. Review status: criteria provided, single submitter. Criteria: Invitae Variant Classification Sherloc (09022015). Collection method: clinical testing. Allele origin: germline.
Comment: This sequence change creates a premature translational stop signal (p.Trp83*) in the IRF7 gene. It is expected to result in an absent or disrupted protein product. However, the current clinical and genetic evidence is not sufficient to establish whether loss-of-function variants in IRF7 cause disease. The frequency data for this variant in the population databases is considered unreliable, as metrics indicate poor data quality at this position in the gnomAD database. This variant has not been reported in the literature in individuals affected with IRF7-related conditions. In summary, the available evidence is currently insufficient to determine the role of this variant in disease. Therefore, it has been classified as a Variant of Uncertain Significance.

NM_001572.5(IRF7):c.209G>A (p.Trp70Ter)

Gene: IRF7 (interferon regulatory factor 7; minus strand). Cytogenetic location: 11p15.5.
Variant type: single nucleotide variant.
Coding change: c.209G>A on transcript NM_001572.5 (MANE Select); coding-DNA position 209, G replaced by A.
Protein change: p.Trp70Ter; replaces tryptophan 70 with a stop codon.
Molecular consequence: nonsense.
Genome position (GRCh38, 1-based): chr11:614,982, C>T on the plus strand (G>A on the coding strand, the complement: IRF7 is on the minus strand). VCF-style: chr11-614982-C-T. GRCh37 (hg19) VCF-style: chr11-614982-C-T.
Other names: c.248G>A, p.Trp83Ter (NM_001440440.1, NM_001440444.1, NM_004031.4); c.209G>A, p.Trp70Ter (NM_001440442.1, NM_001440445.1, NM_001440446.1 and 1 more transcripts); short protein forms W70*, W83*.
Identifiers: ClinVar variation 4702900 (VCV004702900.1).